The following is an entry in ClinVar:

NM_001330288.2(SMARCC2):c.1475G>T (p.Gly492Val)

Gene: SMARCC2 (SWI/SNF related BAF chromatin remodeling complex subunit C2; minus strand). Cytogenetic location: 12q13.2.
Variant type: single nucleotide variant.
Coding change: c.1475G>T on transcript NM_001330288.2 (MANE Select); coding-DNA position 1475, G replaced by T.
Protein change: p.Gly492Val; replaces glycine 492 with valine.
Molecular consequence: missense variant.
Genome position (GRCh38, 1-based): chr12:56,174,672, C>A on the plus strand (G>T on the coding strand, the complement: SMARCC2 is on the minus strand). VCF-style: chr12-56174672-C-A. GRCh37 (hg19) VCF-style: chr12-56568456-C-A.
Other names: c.1475G>T, p.Gly492Val (NM_001130420.3, NM_003075.5, NM_139067.4); short protein forms G492V.
Identifiers: ClinVar variation 3603142 (VCV003603142.1).
Genomic context (GRCh38, chr12:56,174,672, plus strand): 5'-ATCCTCATGTACCCCCTTCCCCTCAGCCACAAGACCCACCTCATGATGGCACAGACATCA[C>A]CCGCTAGGTTTCGGCGGCAGGCGGTAGAGGTAAGATACTCTTGGGGGTTCAGTCGGTAAG-3'
Protein context (NP_001317217.1, residues 482-502): TSTACRRNLA[Gly492Val]DVCAIMRVHA

ClinVar aggregate classification (germline): Uncertain significance (1 of 4 stars; one submission).

Submission:

GeneDx
Classification: Uncertain significance. Last evaluated: 2024-08-07. Review status: criteria provided, single submitter. Criteria: GeneDx Variant Classification Process June 2021. Collection method: clinical testing. Allele origin: germline. Affected: yes.
Comment: Not observed at significant frequency in large population cohorts (gnomAD); In silico analysis supports that this missense variant has a deleterious effect on protein structure/function; Has not been previously published as pathogenic or benign to our knowledge